The following is an entry in ClinVar:

ClinVar aggregate classification (germline): Uncertain significance (1 of 4 stars; one submission).

Conditions:
Dilated cardiomyopathy 1DD (CMD1DD). Identifiers: Orphanet 154, MedGen C2750995, MONDO:0013168, OMIM 613172.

Submission:

Labcorp Genetics (formerly Invitae), Labcorp
Classification: Uncertain significance for Dilated cardiomyopathy 1DD. Last evaluated: 2023-05-03. Review status: criteria provided, single submitter. Criteria: Invitae Variant Classification Sherloc (09022015). Collection method: clinical testing. Allele origin: germline.
Comment: In summary, the available evidence is currently insufficient to determine the role of this variant in disease. Therefore, it has been classified as a Variant of Uncertain Significance. Advanced modeling of protein sequence and biophysical properties (such as structural, functional, and spatial information, amino acid conservation, physicochemical variation, residue mobility, and thermodynamic stability) performed at Invitae indicates that this missense variant is not expected to disrupt RBM20 protein function. This variant has not been reported in the literature in individuals affected with RBM20-related conditions. This variant is not present in population databases (gnomAD no frequency). This sequence change replaces proline, which is neutral and non-polar, with leucine, which is neutral and non-polar, at codon 285 of the RBM20 protein (p.Pro285Leu).

NM_001134363.3(RBM20):c.854C>T (p.Pro285Leu)

Gene: RBM20 (RNA binding motif protein 20; plus strand). Cytogenetic location: 10q25.2.
Variant type: single nucleotide variant.
Coding change: c.854C>T on transcript NM_001134363.3 (MANE Select); coding-DNA position 854, C replaced by T.
Protein change: p.Pro285Leu; replaces proline 285 with leucine.
Molecular consequence: missense variant.
Genome position (GRCh38, 1-based): chr10:110,781,463, C>T. VCF-style: chr10-110781463-C-T. GRCh37 (hg19) VCF-style: chr10-112541221-C-T.
Other names: short protein forms P285L.
Identifiers: ClinVar variation 2996578 (VCV002996578.3), dbSNP rs1844345967, ClinGen allele CA378383908.